The following is an entry in ClinVar:

NM_012431.3(SEMA3E):c.1081G>A (p.Glu361Lys)

Gene: SEMA3E (semaphorin 3E; minus strand). Cytogenetic location: 7q21.11.
Variant type: single nucleotide variant.
Coding change: c.1081G>A on transcript NM_012431.3 (MANE Select); coding-DNA position 1081, G replaced by A.
Protein change: p.Glu361Lys; replaces glutamic acid 361 with lysine.
Molecular consequence: missense variant.
Genome position (GRCh38, 1-based): chr7:83,402,694, C>T on the plus strand (G>A on the coding strand, the complement: SEMA3E is on the minus strand). VCF-style: chr7-83402694-C-T. GRCh37 (hg19) VCF-style: chr7-83032010-C-T.
Other names: c.901G>A, p.Glu301Lys (NM_001178129.2); short protein forms E361K, E301K.
Identifiers: ClinVar variation 654414 (VCV000654414.11), dbSNP rs754754690, ClinGen allele CA4322114.

ClinVar aggregate classification (germline): Uncertain significance. Review status: criteria provided, single submitter (1 of 4 stars). 2 submissions from 2 submitters: Uncertain significance (1). 1 of the submissions does not count toward it. Last evaluated 2025-11-18.

Conditions:
CHARGE syndrome (CHARGE). Also called: Coloboma, heart anomaly, choanal atresia, retardation, genital and ear anomalies; CHARGE association; Hall-Hittner syndrome; Hittner Hirsch Kreh syndrome; CHARGE ASSOCIATION--COLOBOMA, HEART ANOMALY, CHOANAL ATRESIA, RETARDATION, GENITAL AND EAR ANOMALIES. Identifiers: Orphanet 138, MedGen C0265354, MONDO:0008965.
SEMA3E-related disorder. Also called: SEMA3E-related condition.

Allele frequency attached by ClinVar (database versions not stated): ExAC 0.00002; gnomAD exomes 0.00002 and 0.00003; TOPMed 0.00003; gnomAD 0.00004.
gnomAD v4.1: 49 of 1,612,924 alleles (0.003%); highest among the groups gnomAD compares: Non-Finnish European, 0.004%; no homozygotes.

Submissions (2):

Labcorp Genetics (formerly Invitae), Labcorp
Classification: Uncertain significance for CHARGE syndrome. Last evaluated: 2025-11-18. Review status: criteria provided, single submitter. Criteria: Invitae Variant Classification Sherloc (09022015). Collection method: clinical testing. Allele origin: germline.
Comment: This sequence change replaces glutamic acid, which is acidic and polar, with lysine, which is basic and polar, at codon 361 of the SEMA3E protein (p.Glu361Lys). This variant is present in population databases (rs754754690, gnomAD 0.003%). This variant has not been reported in the literature in individuals affected with SEMA3E-related conditions. ClinVar contains an entry for this variant (Variation ID: 654414). Invitae Evidence Modeling of protein sequence and biophysical properties (such as structural, functional, and spatial information, amino acid conservation, physicochemical variation, residue mobility, and thermodynamic stability) indicates that this missense variant is not expected to disrupt SEMA3E protein function with a negative predictive value of 80%. In summary, the available evidence is currently insufficient to determine the role of this variant in disease. Therefore, it has been classified as a Variant of Uncertain Significance.

PreventionGenetics, part of Exact Sciences
Classification: Uncertain significance for SEMA3E-related condition. Last evaluated: 2024-01-19. Review status: no assertion criteria provided. Collection method: clinical testing. Allele origin: germline. Not counted in ClinVar's aggregate classification.
Comment: The SEMA3E c.1081G>A variant is predicted to result in the amino acid substitution p.Glu361Lys. To our knowledge, this variant has not been reported in the literature. This variant is reported in 0.0039% of alleles in individuals of European (Non-Finnish) descent in gnomAD. At this time, the clinical significance of this variant is uncertain due to the absence of conclusive functional and genetic evidence.